The following is an entry in ClinVar:

NM_000180.4(GUCY2D):c.442del (p.Val148fs)

Gene: GUCY2D (guanylate cyclase 2D, retinal; plus strand). Cytogenetic location: 17p13.1.
Variant type: Deletion.
Coding change: c.442del on transcript NM_000180.4 (MANE Select); coding-DNA position 442, one base deleted (G; older notation c.442delG).
Protein change: p.Val148fs; shifts the reading frame from valine 148.
Molecular consequence: frameshift variant.
Genome position (GRCh38, 1-based): chr17:8,003,489, G deleted; the last of 2 consecutive G bases (chr17:8,003,488-8,003,489); deleting either gives the same sequence. VCF-style (leftmost placement, unchanged base first): chr17-8003487-TG-T. GRCh37 (hg19) VCF-style: chr17-7906805-TG-T.
Other names: short protein forms V148fs.
Identifiers: ClinVar variation 2949402 (VCV002949402.3), dbSNP rs2545417991, ClinGen allele CA2740095225.

ClinVar aggregate classification (germline): Pathogenic (1 of 4 stars; one submission).

Conditions:
Cone-rod dystrophy 6 (CORD6). Also called: Cone dystrophy progressive; RETINAL CONE DYSTROPHY 2. Identifiers: Orphanet 1872, MedGen C1866293, MONDO:0011143, OMIM 601777.
Leber congenital amaurosis 1 (LCA1). Also called: Congenital absence of the rods and cones; Leber's congenital tapetoretinal degeneration; Leber's congenital tapetoretinal dysplasia; AMAUROSIS CONGENITA OF LEBER I; RETINAL BLINDNESS, CONGENITAL. Identifiers: Orphanet 65, MedGen C2931258, MONDO:0008764, OMIM 204000.

Submission:

Labcorp Genetics (formerly Invitae), Labcorp
Classification: Pathogenic for Leber congenital amaurosis 1; Cone-rod dystrophy 6. Last evaluated: 2023-06-28. Review status: criteria provided, single submitter. Criteria: Invitae Variant Classification Sherloc (09022015). Collection method: clinical testing. Allele origin: germline.
Comment: For these reasons, this variant has been classified as Pathogenic. This variant has not been reported in the literature in individuals affected with GUCY2D-related conditions. This variant is not present in population databases (gnomAD no frequency). This sequence change creates a premature translational stop signal (p.Val148Cysfs*18) in the GUCY2D gene. It is expected to result in an absent or disrupted protein product. Loss-of-function variants in GUCY2D are known to be pathogenic (PMID: 10951519, 11328726).

Literature cited by the submitters: PubMed 10951519; PubMed 11328726.